The following is an entry in ClinVar:

NM_003476.5(CSRP3):c.37T>C (p.Cys13Arg)

Gene: CSRP3 (cysteine and glycine rich protein 3; minus strand). Cytogenetic location: 11p15.1.
Variant type: single nucleotide variant.
Coding change: c.37T>C on transcript NM_003476.5 (MANE Select); coding-DNA position 37, T replaced by C.
Protein change: p.Cys13Arg; replaces cysteine 13 with arginine.
Molecular consequence: missense variant.
Genome position (GRCh38, 1-based): chr11:19,192,412, A>G on the plus strand (T>C on the coding strand, the complement: CSRP3 is on the minus strand). VCF-style: chr11-19192412-A-G. GRCh37 (hg19) VCF-style: chr11-19213959-A-G.
Other names: c.37T>C, p.Cys13Arg (NM_001369404.1); short protein forms C13R.
Identifiers: ClinVar variation 1382742 (VCV001382742.6), dbSNP rs1257113692, ClinGen allele CA379888635.

ClinVar aggregate classification (germline): Uncertain significance. Review status: criteria provided, multiple submitters, no conflicts (2 of 4 stars). 2 submissions from 2 submitters: Uncertain significance (2). Last evaluated 2022-08-27.

Conditions:
Cardiovascular phenotype. Identifiers: MedGen CN230736.
Hypertrophic cardiomyopathy 12. Identifiers: MedGen C2677491, MONDO:0012804, OMIM 612124.
Dilated cardiomyopathy 1M (CMD1M). Identifiers: Orphanet 154, MedGen C1843808, MONDO:0011840, OMIM 607482.

Allele frequency attached by ClinVar (database versions not stated): TOPMed below 0.00001.
gnomAD v4.1: 1 of 1,614,074 alleles (0.000062%); highest among the groups gnomAD compares: Non-Finnish European, 0.000085%; no homozygotes.

Submissions (2):

Ambry Genetics
Classification: Uncertain significance for Cardiovascular phenotype. Last evaluated: 2022-08-27. Review status: criteria provided, single submitter. Criteria: Ambry Variant Classification Scheme 2023. Collection method: clinical testing. Allele origin: germline.
Comment: The p.C13R variant (also known as c.37T>C), located in coding exon 1 of the CSRP3 gene, results from a T to C substitution at nucleotide position 37. The cysteine at codon 13 is replaced by arginine, an amino acid with highly dissimilar properties. This amino acid position is conserved. In addition, this alteration is predicted to be deleterious by in silico analysis. Since supporting evidence is limited at this time, the clinical significance of this alteration remains unclear.

Labcorp Genetics (formerly Invitae), Labcorp
Classification: Uncertain significance for Hypertrophic cardiomyopathy 12; Dilated cardiomyopathy 1M. Last evaluated: 2021-09-23. Review status: criteria provided, single submitter. Criteria: Invitae Variant Classification Sherloc (09022015). Collection method: clinical testing. Allele origin: germline.
Comment: In summary, the available evidence is currently insufficient to determine the role of this variant in disease. Therefore, it has been classified as a Variant of Uncertain Significance. Algorithms developed to predict the effect of missense changes on protein structure and function (SIFT, PolyPhen-2, Align-GVGD) all suggest that this variant is likely to be disruptive. This variant has not been reported in the literature in individuals affected with CSRP3-related conditions. This variant is not present in population databases (ExAC no frequency). This sequence change replaces cysteine with arginine at codon 13 of the CSRP3 protein (p.Cys13Arg). The cysteine residue is highly conserved and there is a large physicochemical difference between cysteine and arginine.